The following is an entry in ClinVar:

ClinVar aggregate classification (germline): Conflicting classifications of pathogenicity. Review status: criteria provided, conflicting classifications (1 of 4 stars). 3 submissions from 3 submitters: Uncertain significance (1); Likely benign (1). 1 of the submissions does not count toward it. Last evaluated 2024-02-20.

Conditions:
Muscular dystrophy-dystroglycanopathy (congenital with brain and eye anomalies), type A, 7. Also called: WALKER-WARBURG SYNDROME OR MUSCLE-EYE-BRAIN DISEASE, ISPD-RELATED; Congenital muscular dystrophy-dystroglycanopathy with brain and eye anomalies, type A7. Identifiers: Orphanet 899, MedGen C3553330, MONDO:0013835, OMIM 614643.
Autosomal recessive limb-girdle muscular dystrophy type 2U. Also called: MUSCULAR DYSTROPHY, LIMB-GIRDLE, TYPE 2U; Muscular dystrophy-dystroglycanopathy (limb-girdle), type c, 7. Identifiers: Orphanet 352479, MedGen C5190987, MONDO:0014474, OMIM 616052.
CRPPA-related disorder.
Congenital Muscular Dystrophy, alpha-dystroglycan related.

Allele frequency attached by ClinVar (database versions not stated): gnomAD exomes 0.00001 and 0.00002; TOPMed 0.00002; gnomAD 0.00003; ExAC 0.00005; 1000 Genomes Project 30x 0.00016; 1000 Genomes Project 0.00020.
gnomAD v4.1: 27 of 1,535,736 alleles (0.0018%); highest among the groups gnomAD compares: Non-Finnish European, 0.0023%; no homozygotes.

Submissions (3):

Labcorp Genetics (formerly Invitae), Labcorp
Classification: Likely benign for Muscular dystrophy-dystroglycanopathy (congenital with brain and eye anomalies), type A, 7; Autosomal recessive limb-girdle muscular dystrophy type 2U. Last evaluated: 2024-02-20. Review status: criteria provided, single submitter. Criteria: Invitae Variant Classification Sherloc (09022015). Collection method: clinical testing. Allele origin: germline.

Illumina Laboratory Services, Illumina
Classification: Uncertain significance for Congenital Muscular Dystrophy, alpha-dystroglycan related. Last evaluated: 2018-01-15. Review status: criteria provided, single submitter. Criteria: ICSL Variant Classification Criteria 13 December 2019. Collection method: clinical testing. Allele origin: germline.

PreventionGenetics, part of Exact Sciences
Classification: Likely benign for CRPPA-related condition. Last evaluated: 2021-02-05. Review status: no assertion criteria provided. Collection method: clinical testing. Allele origin: germline. Not counted in ClinVar's aggregate classification.
Comment: This variant is classified as likely benign based on ACMG/AMP sequence variant interpretation guidelines (Richards et al. 2015 PMID: 25741868, with internal and published modifications).

NM_001101426.4(CRPPA):c.1120-10T>C

Genes: CRPPA-AS1 (CRPPA antisense RNA 1; plus strand), CRPPA (CDP-L-ribitol pyrophosphorylase A; minus strand). Cytogenetic location: 7p21.2.
Variant type: single nucleotide variant.
Coding change: c.1120-10T>C on transcript NM_001101426.4 (MANE Select); 10 bases into the intron before coding-DNA position 1120, T replaced by C.
Molecular consequence: intron variant.
Genome position (GRCh38, 1-based): chr7:16,216,207, A>G on the plus strand (T>C on the coding strand, the complement: CRPPA is on the minus strand). VCF-style: chr7-16216207-A-G. GRCh37 (hg19) VCF-style: chr7-16255832-A-G.
Other names: c.970-10T>C (NM_001101417.4); c.1015-10T>C (NM_001368197.1).
Identifiers: ClinVar variation 774187 (VCV000774187.15), dbSNP rs200836986, ClinGen allele CA4169373.
Genomic context (GRCh38, chr7:16,216,207, plus strand): 5'-GTTTTCCATTTTCTGACTGGGAGGTACTAATTTAAAATCAAGAAAATGAACCTGCAAAAT[A>G]TAAAAGACAGTATTTAGAATATCATTCCCTTCAACTTTCTCTGGAGGGAAAAAACATTAA-3'